The following is an entry in ClinVar:

NC_000002.11:g.(?_47948073)_(48035379_?)del

Genes: FBXO11 (F-box protein 11; minus strand), MSH6 (mutS homolog 6; plus strand). Cytogenetic location: 2p16.3.
Variant type: Deletion.
Identifiers: ClinVar variation 1454648 (VCV001454648.4).

ClinVar aggregate classification (germline): Pathogenic. Review status: criteria provided, single submitter (1 of 4 stars). 2 submissions from 1 submitter: Pathogenic (1). 1 of the submissions does not count toward it. Last evaluated 2021-09-03.

Conditions:
Hereditary nonpolyposis colorectal neoplasms. Identifiers: MedGen C0009405, MeSH D003123.

Submissions (2):

Labcorp Genetics (formerly Invitae), Labcorp
Classification: Pathogenic. Last evaluated: 2021-09-03. Review status: criteria provided, single submitter. Criteria: Invitae Variant Classification Sherloc (09022015). Collection method: clinical testing. Allele origin: germline.
Comment: This variant results in the deletion of part of exon 23 (c.2662_*87184del) of the FBXO11 gene, which includes the termination codon. This deletion extends beyond the assayed region for this gene and therefore may encompass additional genes. While this deletion is not anticipated to lead to nonsense mediated decay, it is expected to alter mRNA translation or result in a truncated protein product. This variant has not been reported in the literature in individuals affected with FBXO11-related conditions. This variant disrupts a region of the FBXO11 protein in which other variant(s) (p.Tyr913*) have been determined to be pathogenic (PMID: 27620904; Invitae). This suggests that this is a clinically significant region of the protein, and that variants that disrupt it are likely to be disease-causing. For these reasons, this variant has been classified as Pathogenic.

Labcorp Genetics (formerly Invitae), Labcorp
Classification: Pathogenic for Hereditary nonpolyposis colorectal neoplasms. Last evaluated: 2021-09-03. Review status: flagged submission. Criteria: Invitae Variant Classification Sherloc (09022015). Collection method: clinical testing. Allele origin: germline. Not counted in ClinVar's aggregate classification.
Comment: A gross deletion of the genomic region encompassing the full coding sequence of the MSH6 gene has been identified. Loss-of-function variants in MSH6 are known to be pathogenic (PMID: 18269114, 24362816). The boundaries of this event are unknown as they extend beyond the assayed region for this gene and therefore may encompass additional genes. A similar copy number variant has been observed in individual(s) with clinical features of Lynch syndrome (PMID: 28135145). For these reasons, this variant has been classified as Pathogenic.
ClinVar note: Reason: This record appears to be redundant with a more recent record from the same submitter.
ClinVar note: Notes: SCV002235046 appears to be redundant with SCV002241926.

Literature cited by the submitters: PubMed 27620904; PubMed 18269114; PubMed 24362816; PubMed 28135145.